The following is an entry in ClinVar:

NM_003151.4(STAT4):c.1914C>A (p.Phe638Leu)

Gene: STAT4 (signal transducer and activator of transcription 4; minus strand). Cytogenetic location: 2q32.2.
Variant type: single nucleotide variant.
Coding change: c.1914C>A on transcript NM_003151.4 (MANE Select); coding-DNA position 1914, C replaced by A.
Protein change: p.Phe638Leu; replaces phenylalanine 638 with leucine.
Molecular consequence: missense variant.
Genome position (GRCh38, 1-based): chr2:191,033,088, G>T on the plus strand (C>A on the coding strand, the complement: STAT4 is on the minus strand). VCF-style: chr2-191033088-G-T. GRCh37 (hg19) VCF-style: chr2-191897814-G-T.
Other names: c.1914C>A, p.Phe638Leu (NM_001243835.2); short protein forms F638L.
Identifiers: ClinVar variation 2071343 (VCV002071343.4), dbSNP rs369720896, ClinGen allele CA2030457.

ClinVar aggregate classification (germline): Uncertain significance (1 of 4 stars; one submission).

Allele frequency attached by ClinVar (database versions not stated): ESP Exome Variant Server 0.00008.
gnomAD v4.1: 7 of 1,614,086 alleles (0.00043%); highest among the groups gnomAD compares: African/African-American, 0.0067%; no homozygotes.

Submission:

Labcorp Genetics (formerly Invitae), Labcorp
Classification: Uncertain significance. Last evaluated: 2025-07-21. Review status: criteria provided, single submitter. Criteria: Invitae Variant Classification Sherloc (09022015). Collection method: clinical testing. Allele origin: germline.
Comment: This sequence change replaces phenylalanine, which is neutral and non-polar, with leucine, which is neutral and non-polar, at codon 638 of the STAT4 protein (p.Phe638Leu). This variant is present in population databases (rs369720896, gnomAD 0.01%). This variant has not been reported in the literature in individuals affected with STAT4-related conditions. ClinVar contains an entry for this variant (Variation ID: 2071343). Invitae Evidence Modeling of protein sequence and biophysical properties (such as structural, functional, and spatial information, amino acid conservation, physicochemical variation, residue mobility, and thermodynamic stability) indicates that this missense variant is not expected to disrupt STAT4 protein function with a negative predictive value of 80%. Algorithms developed to predict the effect of sequence changes on RNA splicing suggest that this variant may disrupt the consensus splice site. In summary, the available evidence is currently insufficient to determine the role of this variant in disease. Therefore, it has been classified as a Variant of Uncertain Significance.